The following is an entry in ClinVar:

ClinVar aggregate classification (germline): Uncertain significance (1 of 4 stars; one submission).

Conditions:
TH-deficient dopa-responsive dystonia. Also called: Tyrosine Hydroxylase-Deficient Dopa-Responsive Dystonia; Segawa syndrome, autosomal recessive; DYT-TH. Identifiers: Orphanet 101150, MedGen C2673535, MONDO:0011551, OMIM 605407.

Allele frequency attached by ClinVar (database versions not stated): gnomAD exomes below 0.00001; ExAC 0.00001.
gnomAD v4.1: 3 of 1,612,750 alleles (0.00019%); highest among the groups gnomAD compares: South Asian, 0.0022%; no homozygotes.

Submission:

Labcorp Genetics (formerly Invitae), Labcorp
Classification: Uncertain significance for TH-deficient dopa-responsive dystonia. Last evaluated: 2021-12-15. Review status: criteria provided, single submitter. Criteria: Invitae Variant Classification Sherloc (09022015). Collection method: clinical testing. Allele origin: germline.
Comment: This sequence change replaces proline, which is neutral and non-polar, with leucine, which is neutral and non-polar, at codon 452 of the TH protein (p.Pro452Leu). This variant is present in population databases (rs752022049, gnomAD 0.003%). This variant has not been reported in the literature in individuals affected with TH-related conditions. Advanced modeling of protein sequence and biophysical properties (such as structural, functional, and spatial information, amino acid conservation, physicochemical variation, residue mobility, and thermodynamic stability) performed at Invitae indicates that this missense variant is expected to disrupt TH protein function. In summary, the available evidence is currently insufficient to determine the role of this variant in disease. Therefore, it has been classified as a Variant of Uncertain Significance.

NM_000360.4(TH):c.1262C>T (p.Pro421Leu)

Gene: TH (tyrosine hydroxylase; minus strand). Cytogenetic location: 11p15.5.
Variant type: single nucleotide variant.
Coding change: c.1262C>T on transcript NM_000360.4 (MANE Select); coding-DNA position 1262, C replaced by T.
Protein change: p.Pro421Leu; replaces proline 421 with leucine.
Molecular consequence: missense variant.
Genome position (GRCh38, 1-based): chr11:2,165,304, G>A on the plus strand (C>T on the coding strand, the complement: TH is on the minus strand). VCF-style: chr11-2165304-G-A. GRCh37 (hg19) VCF-style: chr11-2186534-G-A.
Other names: c.1355C>T, p.Pro452Leu (NM_199292.3); c.1343C>T, p.Pro448Leu (NM_199293.3); short protein forms P421L, P448L, P452L.
Identifiers: ClinVar variation 1429423 (VCV001429423.3), dbSNP rs752022049, ClinGen allele CA5818314.